The following is an entry in ClinVar:

NM_206933.4(USH2A):c.12557T>C (p.Ile4186Thr)

Gene: USH2A (usherin; minus strand). Cytogenetic location: 1q41.
Variant type: single nucleotide variant.
Coding change: c.12557T>C on transcript NM_206933.4 (MANE Select); coding-DNA position 12557, T replaced by C.
Protein change: p.Ile4186Thr; replaces isoleucine 4186 with threonine.
Molecular consequence: missense variant.
Genome position (GRCh38, 1-based): chr1:215,675,354, A>G on the plus strand (T>C on the coding strand, the complement: USH2A is on the minus strand). VCF-style: chr1-215675354-A-G. GRCh37 (hg19) VCF-style: chr1-215848696-A-G.
Other names: short protein forms I4186T.
Identifiers: ClinVar variation 48400 (VCV000048400.23), dbSNP rs112120466, ClinGen allele CA143292.

ClinVar aggregate classification (germline): Conflicting classifications of pathogenicity. Review status: criteria provided, conflicting classifications (1 of 4 stars). 7 submissions from 7 submitters: Uncertain significance (1); Benign (1); Likely benign (3). 2 of the submissions do not count toward it. Last evaluated 2026-01-26.

Conditions:
USH2A-related disorder. Also called: USH2A-related condition; USH2A-related disorders. Identifiers: MedGen CN239332.
Usher syndrome type 2A. Also called: USHER SYNDROME, TYPE IIA; RETINAL DISEASE IN USHER SYNDROME TYPE IIA, MODIFIER OF. Identifiers: Orphanet 231178, Orphanet 886, MedGen C1848634, MONDO:0010169, OMIM 276901.

Allele frequency attached by ClinVar (database versions not stated): gnomAD exomes 0.00017 and 0.00048; ExAC 0.00060; gnomAD 0.00153 and 0.00159; TOPMed 0.00166; ESP Exome Variant Server 0.00185; 1000 Genomes Project 30x 0.00219; 1000 Genomes Project 0.00220.
gnomAD v4.1: 502 of 1,614,108 alleles (0.031%); highest among the groups gnomAD compares: African/African-American, 0.58%; 2 homozygotes.

Submissions (7):

Labcorp Genetics (formerly Invitae), Labcorp
Classification: Benign. Last evaluated: 2026-01-26. Review status: criteria provided, single submitter. Criteria: Invitae Variant Classification Sherloc (09022015). Collection method: clinical testing. Allele origin: germline.

Women's Health and Genetics/Laboratory Corporation of America, LabCorp
Classification: Uncertain significance. Last evaluated: 2024-05-28. Review status: criteria provided, single submitter. Criteria: LabCorp Variant Classification Summary - May 2015. Collection method: clinical testing. Allele origin: germline.
Comment: Variant summary: USH2A c.12557T>C (p.Ile4186Thr) results in a non-conservative amino acid change located in the Fibronectin type III domain (IPR003961) of the encoded protein sequence. Four of five in-silico tools predict a benign effect of the variant on protein function. The variant allele was found at a frequency of 0.00031 in 1614108 control chromosomes, predominantly at a frequency of 0.0058 within the African or African-American subpopulation in the gnomAD database, including 2 homozygotes. This frequency is not significantly higher than estimated for a pathogenic variant in USH2A causing Usher Syndrome (0.00031 vs 0.011), allowing no conclusion about variant significance. To our knowledge, no occurrence of c.12557T>C in individuals affected with Usher Syndrome and no experimental evidence demonstrating its impact on protein function have been reported. ClinVar contains an entry for this variant (Variation ID: 48400). Based on the evidence outlined above, the variant was classified as uncertain significance.

Blueprint Genetics
Classification: Likely benign. Last evaluated: 2024-02-23. Review status: criteria provided, single submitter. Criteria: ACMG Guidelines, 2015. Collection method: clinical testing. Allele origin: germline.

GeneDx
Classification: Likely benign. Last evaluated: 2020-12-11. Review status: criteria provided, single submitter. Criteria: GeneDx Variant Classification Process June 2021. Collection method: clinical testing. Allele origin: germline. Affected: yes.

Laboratory for Molecular Medicine, Mass General Brigham Personalized Medicine
Classification: Likely benign. Last evaluated: 2012-05-07. Review status: criteria provided, single submitter. Criteria: LMM Criteria. Collection method: clinical testing. Allele origin: germline. Observed: 1 variant allele.
Comment: Ile4186Thr in Exon 63 of USH2A: This variant is not expected to have clinical si gnificance because it has been identified in 0.6% (22/3738) of African American chromosomes from a broad population by the NHLBI Exome Sequencing Project (dbSNP rs112120466).

PreventionGenetics, part of Exact Sciences
Classification: Likely benign for USH2A-related condition. Last evaluated: 2023-09-05. Review status: no assertion criteria provided. Collection method: clinical testing. Allele origin: germline. Not counted in ClinVar's aggregate classification.
Comment: This variant is classified as likely benign based on ACMG/AMP sequence variant interpretation guidelines (Richards et al. 2015 PMID: 25741868, with internal and published modifications).

Natera, Inc.
Classification: Likely benign for Usher syndrome type 2A. Last evaluated: 2019-11-22. Review status: no assertion criteria provided. Collection method: clinical testing. Allele origin: germline. Not counted in ClinVar's aggregate classification.